The following is an entry in ClinVar:

NM_000092.5(COL4A4):c.605G>A (p.Gly202Asp)

Gene: COL4A4 (collagen type IV alpha 4 chain; minus strand). Cytogenetic location: 2q36.3.
Variant type: single nucleotide variant.
Coding change: c.605G>A on transcript NM_000092.5 (MANE Select); coding-DNA position 605, G replaced by A.
Protein change: p.Gly202Asp; replaces glycine 202 with aspartic acid.
Molecular consequence: missense variant.
Genome position (GRCh38, 1-based): chr2:227,109,276, C>T on the plus strand (G>A on the coding strand, the complement: COL4A4 is on the minus strand). VCF-style: chr2-227109276-C-T. GRCh37 (hg19) VCF-style: chr2-227973992-C-T.
Other names: short protein forms G202D.
Identifiers: ClinVar variation 3339760 (VCV003339760.3).
Genomic context (GRCh38, chr2:227,109,276, plus strand): 5'-GTACTTACCACTAACCCTGGCTCTCCAGGATATCCTGTGGGACCTGCCGGTCCTCCTGCA[C>T]CCCAAGATCCCTAAACATGAGAAAAATCAGTGCATCTGTTACCCAAAATTGTAATCATCT-3'
Protein context (NP_000083.3, residues 192-212): PGLPGLPGSW[Gly202Asp]AGGPAGPTGY

ClinVar aggregate classification (germline): Conflicting classifications of pathogenicity. Review status: criteria provided, conflicting classifications (1 of 4 stars). 3 submissions from 3 submitters: Likely pathogenic (2); Uncertain significance (1). Last evaluated 2025-09-26.

Conditions:
Autosomal recessive Alport syndrome (ATS2). Also called: COL4A4 Alport Syndrome and Thin Basement Membrane Nephropathy; ALPORT SYNDROME 2, AUTOSOMAL RECESSIVE; Alport syndrome type 2; COL4A3-Related Nephropathy. Identifiers: Orphanet 63, Orphanet 88919, MedGen C4746745, MONDO:0008762, OMIM 203780.
Hematuria, benign familial, 1 (BFH1). Also called: THIN MEMBRANE NEPHROPATHY. Identifiers: MedGen CN376803, MONDO:0007709, OMIM 141200.
Alport syndrome. Also called: Hemorrhagic familial nephritis; Hemorrhagic hereditary nephritis; Congenital hereditary hematuria. Identifiers: Orphanet 63, MedGen C1567741, MONDO:0018965.

Submissions (3):

Natera, Inc.
Classification: Likely pathogenic for Alport syndrome. Last evaluated: 2025-09-26. Review status: criteria provided, single submitter. Criteria: Natera Variant Classification Schema (03/2026). Collection method: clinical testing. Allele origin: germline.
Comment: The c.605G>A variant in COL4A4 is a missense variant predicted to cause substitution of glycine to aspartic acid at amino acid 202. This variant is rare in the general population with a frequency below the threshold expected for the associated phenotype(s). This variant is located in a functionally critical region of the protein. Computational prediction algorithms indicate this variant is likely to affect gene or protein function. Given the available evidence, this variant is classified as Likely Pathogenic.

Fulgent Genetics
Classification: Likely pathogenic for Hematuria, benign familial, 1; Autosomal recessive Alport syndrome. Last evaluated: 2024-06-06. Review status: criteria provided, single submitter. Criteria: ACMG Guidelines, 2015. Collection method: clinical testing. Allele origin: germline.

Women's Health and Genetics/Laboratory Corporation of America, LabCorp
Classification: Uncertain significance. Last evaluated: 2024-06-03. Review status: criteria provided, single submitter. Criteria: LabCorp Variant Classification Summary - May 2015. Collection method: clinical testing. Allele origin: germline.
Comment: Variant summary: COL4A4 c.605G>A (p.Gly202Asp) results in a non-conservative amino acid change of the encoded protein sequence. Five of five in-silico tools predict a damaging effect of the variant on protein function. The variant allele was found at a frequency of 4e-06 in 249430 control chromosomes. The available data on variant occurrences in the general population are insufficient to allow any conclusion about variant significance. To our knowledge, no occurrence of c.605G>A in individuals affected with Alport Syndrome, Autosomal Recessive and no experimental evidence demonstrating its impact on protein function have been reported. No submitters have cited clinical-significance assessments for this variant to ClinVar. Based on the evidence outlined above, the variant was classified as uncertain significance.